The following is an entry in ClinVar:

NM_000179.3(MSH6):c.2294dup (p.Cys765fs)

Gene: MSH6 (mutS homolog 6; plus strand). Cytogenetic location: 2p16.3.
Variant type: Duplication.
Coding change: c.2294dup on transcript NM_000179.3 (MANE Select); coding-DNA position 2294, one base duplicated (G; older notation c.2294dupG).
Protein change: p.Cys765fs; shifts the reading frame from cysteine 765.
Molecular consequence: frameshift variant.
Genome position (GRCh38, 1-based): chr2:47,800,277, G duplicated. VCF-style (leftmost placement, unchanged base first): chr2-47800276-T-TG. GRCh37 (hg19) VCF-style: chr2-48027415-T-TG.
Other names: c.2294dupG (NM_000179.2); c.1904dup, p.Cys635fs (NM_001281492.2); c.1388dup, p.Cys463fs (NM_001281493.2, NM_001281494.2); short protein forms C635fs, C765fs, C463fs.
Identifiers: ClinVar variation 410337 (VCV000410337.8), dbSNP rs1553413673, ClinGen allele CA16610910.

ClinVar aggregate classification (germline): Pathogenic (1 of 4 stars; one submission).

Conditions:
Hereditary nonpolyposis colorectal neoplasms. Identifiers: MedGen C0009405, MeSH D003123.

Submission:

Labcorp Genetics (formerly Invitae), Labcorp
Classification: Pathogenic for Hereditary nonpolyposis colorectal neoplasms. Last evaluated: 2016-07-17. Review status: criteria provided, single submitter. Criteria: Invitae Variant Classification Sherloc (09022015). Collection method: clinical testing. Allele origin: germline.
Comment: For these reasons, this variant has been classified as Pathogenic. While this particular variant has not been reported in the literature, truncating variants in MSH6 are known to be pathogenic (PMID: 24362816, 18269114). This sequence change inserts 1 nucleotide in exon 4 of the MSH6 mRNA (c.2294dupG), causing a frameshift at codon 765. This creates a premature translational stop signal (p.Cys765Trpfs*7) and is expected to result in an absent or disrupted protein product.

Literature cited by the submitters: PubMed 24362816; PubMed 18269114.